The following is an entry in ClinVar:

NM_001270508.2(TNFAIP3):c.1720C>T (p.Pro574Ser)

Gene: TNFAIP3 (TNF alpha induced protein 3; plus strand). Cytogenetic location: 6q23.3.
Variant type: single nucleotide variant.
Coding change: c.1720C>T on transcript NM_001270508.2 (MANE Select); coding-DNA position 1720, C replaced by T.
Protein change: p.Pro574Ser; replaces proline 574 with serine.
Molecular consequence: missense variant.
Genome position (GRCh38, 1-based): chr6:137,879,165, C>T. VCF-style: chr6-137879165-C-T. GRCh37 (hg19) VCF-style: chr6-138200302-C-T.
Other names: c.1720C>T, p.Pro574Ser (NM_001270507.2, NM_006290.4); short protein forms P574S.
Identifiers: ClinVar variation 1911242 (VCV001911242.5), dbSNP rs2482757998, ClinGen allele CA365793336.

ClinVar aggregate classification (germline): Uncertain significance (1 of 4 stars; one submission).

gnomAD v4.1: 1 of 1,614,154 alleles (0.000062%); highest among the groups gnomAD compares: Non-Finnish European, 0.000085%; no homozygotes.

Submission:

Labcorp Genetics (formerly Invitae), Labcorp
Classification: Uncertain significance. Last evaluated: 2022-08-23. Review status: criteria provided, single submitter. Criteria: Invitae Variant Classification Sherloc (09022015). Collection method: clinical testing. Allele origin: germline.
Comment: In summary, the available evidence is currently insufficient to determine the role of this variant in disease. Therefore, it has been classified as a Variant of Uncertain Significance. Algorithms developed to predict the effect of missense changes on protein structure and function (SIFT, PolyPhen-2, Align-GVGD) all suggest that this variant is likely to be tolerated. This variant has not been reported in the literature in individuals affected with TNFAIP3-related conditions. This variant is not present in population databases (gnomAD no frequency). This sequence change replaces proline, which is neutral and non-polar, with serine, which is neutral and polar, at codon 574 of the TNFAIP3 protein (p.Pro574Ser).